The following is an entry in ClinVar:

NM_001330260.2(SCN8A):c.4403A>G (p.Asn1468Ser)

Gene: SCN8A (sodium voltage-gated channel alpha subunit 8; plus strand). Cytogenetic location: 12q13.13.
Variant type: single nucleotide variant.
Coding change: c.4403A>G on transcript NM_001330260.2 (MANE Select); coding-DNA position 4403, A replaced by G.
Protein change: p.Asn1468Ser; replaces asparagine 1468 with serine.
Molecular consequence: missense variant.
Genome position (GRCh38, 1-based): chr12:51,789,402, A>G. VCF-style: chr12-51789402-A-G. GRCh37 (hg19) VCF-style: chr12-52183186-A-G.
Other names: c.4280A>G, p.Asn1427Ser (NM_001177984.3, NM_001369788.1); c.4403A>G, p.Asn1468Ser (NM_014191.4); short protein forms N1468S, N1427S.
Identifiers: ClinVar variation 374375 (VCV000374375.1), dbSNP rs1057518667, ClinGen allele CA16043682.

ClinVar aggregate classification (germline): Likely pathogenic (0 of 4 stars; one submission).

Conditions:
Developmental and epileptic encephalopathy, 13 (DEE13). Also called: SCN8A-Related Epilepsy; Developmental and Epileptic Encephalopathy (SCN8A-DEE); Early infantile epileptic encephalopathy 13. Identifiers: Orphanet 442835, MedGen C3281191, MONDO:0013801, OMIM 614558.

Allele frequency attached by ClinVar (database versions not stated): TOPMed below 0.00001; gnomAD exomes below 0.00001.
gnomAD v4.1: 1 of 1,613,952 alleles (0.000062%); highest among the groups gnomAD compares: Non-Finnish European, 0.000085%; no homozygotes.

Submission:

Baylor Genetics
Classification: Likely pathogenic for Developmental and epileptic encephalopathy, 13. Last evaluated: 2016-05-01. Review status: no assertion criteria provided. Collection method: clinical testing. Allele origin: de novo. Inheritance: Autosomal dominant inheritance. Affected: yes.